The following is an entry in ClinVar:

ClinVar aggregate classification (germline): Pathogenic (1 of 4 stars; one submission).

Conditions:
Tuberous sclerosis 1 (TSC1). Identifiers: Orphanet 805, MedGen C1854465, MONDO:0008612, OMIM 191100.

Submission:

Labcorp Genetics (formerly Invitae), Labcorp
Classification: Pathogenic for Tuberous sclerosis 1. Last evaluated: 2024-02-26. Review status: criteria provided, single submitter. Criteria: Invitae Variant Classification Sherloc (09022015). Collection method: clinical testing. Allele origin: germline.
Comment: This sequence change creates a premature translational stop signal (p.Cys401Valfs*39) in the TSC1 gene. It is expected to result in an absent or disrupted protein product. Loss-of-function variants in TSC1 are known to be pathogenic (PMID: 10227394, 17304050). This variant is not present in population databases (gnomAD no frequency). This variant has not been reported in the literature in individuals affected with TSC1-related conditions. ClinVar contains an entry for this variant (Variation ID: 1069326). For these reasons, this variant has been classified as Pathogenic.

Literature cited by the submitters: PubMed 10227394; PubMed 17304050.

NM_000368.5(TSC1):c.1201del (p.Cys401fs)

Gene: TSC1 (TSC complex subunit 1; minus strand). Cytogenetic location: 9q34.13.
Variant type: Deletion.
Coding change: c.1201del on transcript NM_000368.5 (MANE Select); coding-DNA position 1201, one base deleted (T; older notation c.1201delT).
Protein change: p.Cys401fs; shifts the reading frame from cysteine 401.
Molecular consequence: frameshift variant.
Genome position (GRCh38, 1-based): chr9:132,910,633, A deleted on the plus strand (T on the coding strand, the reverse complement: TSC1 is on the minus strand). VCF-style (leftmost placement, unchanged base first): chr9-132910632-CA-C. GRCh37 (hg19) VCF-style: chr9-135786019-CA-C.
Other names: c.1198del, p.Cys400fs (NM_001162426.2); c.1048del, p.Cys350fs (NM_001162427.2); c.838del, p.Cys280fs (NM_001362177.2); short protein forms C280fs, C350fs, C400fs, C401fs.
Identifiers: ClinVar variation 1069326 (VCV001069326.7), dbSNP rs2131943046, ClinGen allele CA2499219719.
Genomic context (GRCh38, chr9:132,910,632, plus strand): 5'-TTCCTGGGGGGTGTGACTGTGGCCTGGGGGAGTGAAATGTGCACGTAGTCATCCGAATGA[CA>C]GAGTGGGGCTGGAGGAGGAGAGGTTGCTGGGGTTCCCAGAGGAGTTCCTTTTCCACCTGC-3'